The following is an entry in ClinVar:

ClinVar aggregate classification (germline): Pathogenic (1 of 4 stars; one submission).

Submission:

Labcorp Genetics (formerly Invitae), Labcorp
Classification: Pathogenic. Last evaluated: 2025-01-20. Review status: criteria provided, single submitter. Criteria: Invitae Variant Classification Sherloc (09022015). Collection method: clinical testing. Allele origin: germline.
Comment: This sequence change creates a premature translational stop signal (p.Cys76Glnfs*2) in the FNIP1 gene. It is expected to result in an absent or disrupted protein product. Loss-of-function variants in FNIP1 are known to be pathogenic (PMID: 32181500, 32905580). This variant is not present in population databases (gnomAD no frequency). This variant has not been reported in the literature in individuals affected with FNIP1-related conditions. For these reasons, this variant has been classified as Pathogenic.

Literature cited by the submitters: PubMed 32181500; PubMed 32905580.

NM_133372.3(FNIP1):c.225_226del (p.Gly76fs)

Gene: FNIP1 (folliculin interacting protein 1; minus strand). Cytogenetic location: 5q31.1.
Variant type: Deletion.
Coding change: c.225_226del on transcript NM_133372.3 (MANE Select); coding-DNA positions 225 to 226, 2 bases deleted (CG; older notation c.225_226delCG).
Protein change: p.Gly76fs; shifts the reading frame from glycine 76.
Molecular consequence: frameshift variant. On other transcripts: intron variant (1).
Genome position (GRCh38, 1-based): chr5:131,731,032-131,731,033, CG deleted on the plus strand (CG on the coding strand, the reverse complement: FNIP1 is on the minus strand). VCF-style (leftmost placement, unchanged base first): chr5-131731031-CCG-C. GRCh37 (hg19) VCF-style: chr5-131066724-CCG-C.
Other names: c.225_226del, p.Gly76fs (NM_001008738.3, NM_001346113.2); c.220-11616_220-11615del (NM_001346114.2); short protein forms G76fs.
Identifiers: ClinVar variation 3663844 (VCV003663844.2).